The following is an entry in ClinVar:

NM_006421.5(ARFGEF1):c.38C>G (p.Thr13Ser)

Gene: ARFGEF1 (ARF guanine nucleotide exchange factor 1; minus strand). Cytogenetic location: 8q13.2.
Variant type: single nucleotide variant.
Coding change: c.38C>G on transcript NM_006421.5 (MANE Select); coding-DNA position 38, C replaced by G.
Protein change: p.Thr13Ser; replaces threonine 13 with serine.
Molecular consequence: missense variant. On other transcripts: 5 prime UTR variant (4), non-coding transcript variant (1).
Genome position (GRCh38, 1-based): chr8:67,343,250, G>C on the plus strand (C>G on the coding strand, the complement: ARFGEF1 is on the minus strand). VCF-style: chr8-67343250-G-C. GRCh37 (hg19) VCF-style: chr8-68255485-G-C.
Other names: c.38C>G, p.Thr13Ser (NM_001413184.1, NM_001413185.1, NM_001413186.1 and 7 more transcripts); c.-553C>G (NM_001413188.1); c.-599C>G (NM_001413193.1); c.-1078C>G (NM_001413196.1); c.-532C>G (NM_001413197.1); short protein forms T13S.
Identifiers: ClinVar variation 4891176 (VCV004891176.1).

ClinVar aggregate classification (germline): Uncertain significance (1 of 4 stars; one submission).

Submission:

Greenwood Genetic Center Diagnostic Laboratories, Greenwood Genetic Center
Classification: Uncertain significance. Last evaluated: 2026-06-23. Review status: criteria provided, single submitter. Criteria: ACMG Guidelines, 2015. Collection method: clinical testing. Allele origin: germline.
Comment: PM2, BP4, PP2